The following is an entry in ClinVar:

NM_015338.6(ASXL1):c.2158G>C (p.Asp720His)

Gene: ASXL1 (ASXL transcriptional regulator 1; plus strand). Cytogenetic location: 20q11.21.
Variant type: single nucleotide variant.
Coding change: c.2158G>C on transcript NM_015338.6 (MANE Select); coding-DNA position 2158, G replaced by C.
Protein change: p.Asp720His; replaces aspartic acid 720 with histidine.
Molecular consequence: missense variant.
Genome position (GRCh38, 1-based): chr20:32,434,870, G>C. VCF-style: chr20-32434870-G-C. GRCh37 (hg19) VCF-style: chr20-31022673-G-C.
Other names: c.1975G>C, p.Asp659His (NM_001363734.1); short protein forms D659H, D720H.
Identifiers: ClinVar variation 4158993 (VCV004158993.1).

ClinVar aggregate classification (germline): Uncertain significance (1 of 4 stars; one submission).

Conditions:
Inborn genetic diseases. Identifiers: MedGen C0950123, MeSH D030342.

Submission:

Ambry Genetics
Classification: Uncertain significance for Inborn genetic diseases. Last evaluated: 2025-08-20. Review status: criteria provided, single submitter. Criteria: Ambry Variant Classification Scheme 2023. Collection method: clinical testing. Allele origin: germline.
Comment: The p.D720H variant (also known as c.2158G>C), located in coding exon 13 of the ASXL1 gene, results from a G to C substitution at nucleotide position 2158. The aspartic acid at codon 720 is replaced by histidine, an amino acid with similar properties. This amino acid position is conserved. In addition, this alteration is predicted to be tolerated by in silico analysis. Based on the available evidence, the clinical significance of this variant remains unclear.